The following is an entry in ClinVar:

ClinVar aggregate classification (germline): Pathogenic. Review status: criteria provided, multiple submitters, no conflicts (2 of 4 stars). 13 submissions from 13 submitters: Pathogenic (12). 1 of the submissions does not count toward it. Last evaluated 2025-12-31.

Conditions:
ATM-related disorder. Also called: ATM-related disorders; ATM-related condition.
Hereditary cancer-predisposing syndrome. Also called: Neoplastic Syndromes, Hereditary; Hereditary Cancer Syndrome; Tumor predisposition; Hereditary neoplastic syndrome. Identifiers: Orphanet 140162, MedGen C0027672, MeSH D009386, MONDO:0015356.
Ataxia-telangiectasia syndrome (AT). Also called: Cerebello-oculocutaneous telangiectasia; Immunodeficiency with ataxia telangiectasia; Ataxia-telangiectasia, complementation group D; AT, COMPLEMENTATION GROUP C; Ataxia-telangiectasia, complementation group E; Ataxia-telangiectasia. Identifiers: Orphanet 100, MedGen C0004135, MONDO:0008840, OMIM 208900.
Familial cancer of breast. Also called: Hereditary breast cancer; hereditary breast carcinoma; BREAST CANCER, FAMILIAL. Identifiers: Orphanet 227535, MedGen C0346153, MONDO:0016419, OMIM 114480. Disease mechanism: loss of function.

Submissions (13):

PreventionGenetics, part of Exact Sciences
Classification: Pathogenic for ATM-related condition. Last evaluated: 2025-12-31. Review status: criteria provided, single submitter. Criteria: ACMG Guidelines, 2015. Collection method: clinical testing. Allele origin: germline.
Comment: The ATM c.3085dupA variant is predicted to result in a frameshift and premature protein termination (p.Thr1029Asnfs*19). This variant has been reported in individuals with ataxia telangiectasia (Table 2, referred to as c.3084insA, Telatar et al. 1998. PubMed ID: 9443866; Table 1, Sandoval et al. 1999. PubMed ID: 9887333; Table 2, Teraoka et al. 1999. PubMed ID: 10330348; Mitui et al. 2005. PubMed ID: 16266405; Table E1, Micol et al. 2011. PubMed ID: 21665257;). It has also been reported in an individual with breast cancer (Table 1, Renault et al. 2018. PubMed ID: 29665859). In vitro experimental studies indicate this variant impairs protein expression (Figure 1 and Table 1, Keimling et al. 2011. PubMed ID: 21778326). This variant has not been reported in a large population database, indicating this variant is rare. It is interpreted as pathogenic in ClinVar (Variation ID: 230318). This variant is interpreted pathogenic.

Labcorp Genetics (formerly Invitae), Labcorp
Classification: Pathogenic for Ataxia-telangiectasia syndrome. Last evaluated: 2025-08-03. Review status: criteria provided, single submitter. Criteria: Invitae Variant Classification Sherloc (09022015). Collection method: clinical testing. Allele origin: germline.
Comment: This sequence change creates a premature translational stop signal (p.Thr1029Asnfs*19) in the ATM gene. It is expected to result in an absent or disrupted protein product. Loss-of-function variants in ATM are known to be pathogenic (PMID: 23807571, 25614872). This variant is not present in population databases (gnomAD no frequency). This premature translational stop signal has been observed in individual(s) with breast cancer and ataxia telangiectasia (PMID: 9443866, 9887333, 10330348, 16266405, 29665859). This variant is also known as 3084insA, 3085insA, 3085_3086insA. ClinVar contains an entry for this variant (Variation ID: 230318). For these reasons, this variant has been classified as Pathogenic.

Color Diagnostics, LLC DBA Color Health
Classification: Pathogenic for Hereditary cancer-predisposing syndrome. Last evaluated: 2024-09-23. Review status: criteria provided, single submitter. Criteria: ACMG Guidelines, 2015. Collection method: clinical testing. Allele origin: germline.
Comment: This variant inserts 1 nucleotide in exon 21 of the ATM gene (also known as 3084insA, 3085insA, 3085_3086insA), creating a frameshift and premature translation stop signal. This variant is expected to result in an absent or non-functional protein product. To our knowledge, functional studies have not been performed for this variant. This variant has been reported in individuals affected with ataxia-telangiectasia (PMID: 9443866, 16266405, 10330348, 9887333). Additionally, it has been reported in an individual affected with breast cancer (PMID: 29665859) and an individual affected with anaplastic astrocytoma (PMID: 37149759). This variant has not been identified in the general population by the Genome Aggregation Database (gnomAD). Loss of ATM function is a known mechanism of disease. Based on the available evidence, this variant is classified as Pathogenic.

GeneDx
Classification: Pathogenic. Last evaluated: 2024-04-18. Review status: criteria provided, single submitter. Criteria: GeneDx Variant Classification Process June 2021. Collection method: clinical testing. Allele origin: germline. Affected: yes.
Comment: Frameshift variant predicted to result in protein truncation or nonsense mediated decay in a gene for which loss of function is a known mechanism of disease; Observed in the heterozygous state in a patient with breast cancer (PMID: 29665859); Not observed at significant frequency in large population cohorts (gnomAD); Truncating variants in this gene are considered pathogenic by a well-established clinical consortium and/or database; This variant is associated with the following publications: (PMID: 9887333, 9443866, 10330348, 16266405, 30612635, 37149759, 29665859)

CeGaT Center for Human Genetics Tuebingen
Classification: Pathogenic. Last evaluated: 2024-04-01. Review status: criteria provided, single submitter. Criteria: CeGaT Center For Human Genetics Tuebingen Variant Classification Criteria Version 2. Collection method: clinical testing. Allele origin: germline. Affected: yes. Observed: 1 variant allele.
Comment: ATM: PVS1, PM2, PS4:Moderate

Fulgent Genetics
Classification: Pathogenic for Familial cancer of breast; Ataxia-telangiectasia syndrome. Last evaluated: 2024-03-21. Review status: criteria provided, single submitter. Criteria: ACMG Guidelines, 2015. Collection method: clinical testing. Allele origin: germline.

Myriad Genetics, Inc.
Classification: Pathogenic for Familial cancer of breast. Last evaluated: 2024-01-18. Review status: criteria provided, single submitter. Criteria: Myriad Autosomal Dominant, Autosomal Recessive and X-Linked Classification Criteria (2023). Collection method: clinical testing. Allele origin: unknown.
Comment: This variant is considered pathogenic. This variant creates a frameshift predicted to result in premature protein truncation.

Ambry Genetics
Classification: Pathogenic for Hereditary cancer-predisposing syndrome. Last evaluated: 2023-01-23. Review status: criteria provided, single submitter. Criteria: Ambry Variant Classification Scheme 2023. Collection method: clinical testing. Allele origin: germline.
Comment: The c.3085dupA pathogenic mutation, located in coding exon 20 of the ATM gene, results from a duplication of A at nucleotide position 3085, causing a translational frameshift with a predicted alternate stop codon (p.T1029Nfs*19). This mutation (also designated as c.3085_3086insA) has been reported in numerous individuals with Ataxia-Telangiectasia (A-T) (Telatar M et al. Am. J. Hum. Genet. 1998 Jan; 62(1):86-97; Teraoka S et al. Am. J. Hum. Genet. 1999 Jun; 64(6):1617-31; Sandoval N et al. Hum. Mol. Genet. 1999 Jan; 8(1):69-79; Mitui M et al. Ann. Hum. Genet. 2005 Nov; 69(Pt 6):657-64). This variant is considered to be rare based on population cohorts in the Genome Aggregation Database (gnomAD). In addition to the clinical data presented in the literature, this alteration is expected to result in loss of function by premature protein truncation or nonsense-mediated mRNA decay. As such, this alteration is interpreted as a disease-causing mutation.

Baylor Genetics
Classification: Pathogenic for Familial cancer of breast. Last evaluated: 2023-01-17. Review status: criteria provided, single submitter. Criteria: ACMG Guidelines, 2015. Collection method: clinical testing. Allele origin: unknown.

Institute for Clinical Genetics, University Hospital TU Dresden, University Hospital TU Dresden
Classification: Pathogenic. Last evaluated: 2021-11-03. Review status: criteria provided, single submitter. Criteria: ACMG Guidelines, 2015. Collection method: clinical testing. Allele origin: germline.

Women's Health and Genetics/Laboratory Corporation of America, LabCorp
Classification: Pathogenic for Ataxia-telangiectasia syndrome. Last evaluated: 2019-03-18. Review status: criteria provided, single submitter. Criteria: LabCorp Variant Classification Summary - May 2015. Collection method: clinical testing. Allele origin: germline.
Comment: Variant summary: ATM c.3085dupA (p.Thr1029AsnfsX19) results in a premature termination codon, predicted to cause a truncation of the encoded protein or absence of the protein due to nonsense mediated decay, which are commonly known mechanisms for disease. Truncations downstream of this position have been classified as pathogenic by our laboratory (e.g. c.3245_3247delinsTGAT (p.His1082fsX14), c.3712_3716delTTATT (p.Leu1238fsX6)). The variant was absent in 246070 control chromosomes (gnomAD) but has been reported in the literature in multiple compound heterozygous individuals affected with Ataxia-Telangiectasia (Keimling_2011, Micol_2011, Mitui_2005, Sandoval_1999, Teraoka_1999). These data indicate that the variant is very likely to be associated with disease. One publication reported the complete absence of ATM protein (analyzed by western blotting) in a lymphoblastoid cell line (LCL) derived from a patient who was compound heterozygote for this variant and another truncating ATM variant (Keimling_2011). Three clinical diagnostic laboratories have submitted clinical-significance assessments for this variant to ClinVar after 2014 without evidence for independent evaluation and classified the variant as pathogenic. Based on the evidence outlined above, the variant was classified as pathogenic.

Hauer Lab, Department Of Pediatric Oncology, Technical University Munich
Classification: Pathogenic for Hereditary cancer-predisposing syndrome. Review status: criteria provided, single submitter. Criteria: ACMG Guidelines, 2015. Collection method: research. Allele origin: germline. Inheritance: Codominant. Affected: yes. Observed: 1 variant allele.
Comment: ACMG/AMP, PVS1, PM2, PP5

Natera, Inc.
Classification: Pathogenic for Ataxia-telangiectasia. Last evaluated: 2020-09-16. Review status: no assertion criteria provided. Collection method: clinical testing. Allele origin: germline. Not counted in ClinVar's aggregate classification.

Literature cited by the submitters: PubMed 23807571 (cited by Labcorp Genetics (formerly Invitae), Labcorp); PubMed 25614872 (cited by Labcorp Genetics (formerly Invitae), Labcorp); PubMed 9443866 (cited by 3 submitters); PubMed 9887333 (cited by 4 submitters); PubMed 10330348 (cited by 4 submitters); PubMed 16266405 (cited by 4 submitters); PubMed 29665859 (cited by Labcorp Genetics (formerly Invitae), Labcorp and Color Diagnostics, LLC DBA Color Health); PubMed 37149759 (cited by Color Diagnostics, LLC DBA Color Health and Hauer Lab, Department Of Pediatric Oncology, Technical University Munich); PubMed 21778326 (cited by Women's Health and Genetics/Laboratory Corporation of America, LabCorp); PubMed 21665257 (cited by Women's Health and Genetics/Laboratory Corporation of America, LabCorp).

NM_000051.4(ATM):c.3085dup (p.Thr1029fs)

Gene: ATM (ATM serine/threonine kinase; plus strand). Cytogenetic location: 11q22.3.
Variant type: Duplication.
Coding change: c.3085dup on transcript NM_000051.4 (MANE Select); coding-DNA position 3085, one base duplicated (A; older notation c.3085dupA).
Protein change: p.Thr1029fs; shifts the reading frame from threonine 1029.
Molecular consequence: frameshift variant.
Genome position (GRCh38, 1-based): chr11:108,272,539, A duplicated; the last of 2 consecutive A bases (chr11:108,272,538-108,272,539); duplicating either gives the same sequence. VCF-style (leftmost placement, unchanged base first): chr11-108272537-T-TA. GRCh37 (hg19) VCF-style: chr11-108143264-T-TA.
Other names: c.3085dup, p.Thr1029fs (NM_001351834.2); c.3085dupA (NM_000051.3); short protein forms T1029fs.
Identifiers: ClinVar variation 230318 (VCV000230318.51), dbSNP rs876658502, ClinGen allele CA10579083.